The following is an entry in ClinVar:

ClinVar aggregate classification (germline): Uncertain significance (1 of 4 stars; one submission).

Conditions:
Lissencephaly 9 with complex brainstem malformation. Identifiers: Orphanet 572013, MedGen C5193029, MONDO:0032677, OMIM 618325.

gnomAD v4.1: 11 of 1,614,104 alleles (0.00068%); highest among the groups gnomAD compares: African/African-American, 0.0027%; no homozygotes.

Submission:

Clinical Genetics Laboratory, Skane University Hospital Lund
Classification: Uncertain significance for Lissencephaly 9 with complex brainstem malformation. Last evaluated: 2025-09-11. Review status: criteria provided, single submitter. Criteria: ACMG Guidelines, 2015. Collection method: clinical testing. Allele origin: de novo. Inheritance: Autosomal dominant inheritance. Affected: yes.
Comment: ACMG criteria used: PS2_Moderate.

NM_001394062.1(MACF1):c.4097G>A (p.Arg1366His)

Gene: MACF1 (microtubule actin crosslinking factor 1; plus strand). Cytogenetic location: 1p34.3.
Variant type: single nucleotide variant.
Coding change: c.4097G>A on transcript NM_001394062.1 (MANE Select); coding-DNA position 4097, G replaced by A.
Protein change: p.Arg1366His; replaces arginine 1366 with histidine.
Molecular consequence: missense variant.
Genome position (GRCh38, 1-based): chr1:39,322,675, G>A. VCF-style: chr1-39322675-G-A. GRCh37 (hg19) VCF-style: chr1-39788347-G-A.
Other names: c.4112G>A, p.Arg1371His (NM_012090.5); short protein forms R1366H, R1371H.
Identifiers: ClinVar variation 4082204 (VCV004082204.1).
Genomic context (GRCh38, chr1:39,322,675, plus strand): 5'-AATTGCAACTGATGACATACAAGGCCTTTGTGGAATCGCAGCAGAAATCCCCTGGCAAGC[G>A]CCGTCGCATGCTTTCCTCTTCAGATGCCATCACTCAAGAGGTGAGAGGGTGGGGGAAGGA-3'
Protein context (NP_001380991.1, residues 1356-1376): VESQQKSPGK[Arg1366His]RRMLSSSDAI